The following is an entry in ClinVar:

ClinVar aggregate classification (germline): Pathogenic (1 of 4 stars; one submission).

Submission:

Labcorp Genetics (formerly Invitae), Labcorp
Classification: Pathogenic. Last evaluated: 2022-08-16. Review status: criteria provided, single submitter. Criteria: Invitae Variant Classification Sherloc (09022015). Collection method: clinical testing. Allele origin: germline.
Comment: For these reasons, this variant has been classified as Pathogenic. Algorithms developed to predict the effect of sequence changes on RNA splicing suggest that this variant may create or strengthen a splice site. ClinVar contains an entry for this variant (Variation ID: 841438). This variant has not been reported in the literature in individuals affected with CERKL-related conditions. This variant is not present in population databases (gnomAD no frequency). This sequence change creates a premature translational stop signal (p.Gly504Serfs*5) in the CERKL gene. It is expected to result in an absent or disrupted protein product. Loss-of-function variants in CERKL are known to be pathogenic (PMID: 14681825, 23591405, 24043777).

Literature cited by the submitters: PubMed 14681825; PubMed 23591405; PubMed 24043777.

NM_201548.5(CERKL):c.1431_1432insAGTA (p.Gly478fs)

Gene: CERKL (CERK like autophagy regulator; minus strand). Cytogenetic location: 2q31.3.
Variant type: Insertion.
Coding change: c.1431_1432insAGTA on transcript NM_201548.5 (MANE Select); coding-DNA positions 1431 to 1432, AGTA inserted.
Protein change: p.Gly478fs; shifts the reading frame from glycine 478.
Molecular consequence: frameshift variant. On other transcripts: non-coding transcript variant (2).
Genome position: GRCh38 VCF-style: chr2-181539198-C-CTACT. GRCh37 (hg19) VCF-style: chr2-182403925-C-CTACT.
Other names: c.1509_1510insAGTA, p.Gly504fs (NM_001030311.3); c.1092_1093insAGTA, p.Gly365fs (NM_001030312.3); c.1224_1225insAGTA, p.Gly409fs (NM_001030313.3); c.1377_1378insAGTA, p.Gly460fs (NM_001160277.2); short protein forms G409fs, G504fs, G365fs, G460fs, G478fs.
Identifiers: ClinVar variation 841438 (VCV000841438.9), dbSNP rs1687367661, ClinGen allele CA916082263.